The following is an entry in ClinVar:

ClinVar aggregate classification (germline): Pathogenic (1 of 4 stars; one submission).

Conditions:
Danon disease. Also called: PSEUDOGLYCOGENOSIS II; GSD IIb; LYSOSOMAL GLYCOGEN STORAGE DISEASE WITHOUT ACID MALTASE DEFICIENCY; ANTOPOL DISEASE; Glycogen Storage Disease Type IIb. Identifiers: Orphanet 34587, MedGen C0878677, MONDO:0010281, OMIM 300257.

Submission:

Labcorp Genetics (formerly Invitae), Labcorp
Classification: Pathogenic for Danon disease. Last evaluated: 2018-10-03. Review status: criteria provided, single submitter. Criteria: Invitae Variant Classification Sherloc (09022015). Collection method: clinical testing. Allele origin: germline.
Comment: This variant has not been reported in the literature in individuals with LAMP2-related disease. This sequence change creates a premature translational stop signal (p.His69Ilefs*2) in the LAMP2 gene. It is expected to result in an absent or disrupted protein product. This variant is not present in population databases (ExAC no frequency). Loss-of-function variants in LAMP2 are known to be pathogenic (PMID: 21415759). For these reasons, this variant has been classified as Pathogenic.

Literature cited by the submitters: PubMed 21415759.

NM_002294.3(LAMP2):c.205_218del (p.His69fs)

Gene: LAMP2 (lysosome associated membrane protein 2; minus strand). Cytogenetic location: Xq24.
Variant type: Deletion.
Coding change: c.205_218del on transcript NM_002294.3 (MANE Select); coding-DNA positions 205 to 218, 14 bases deleted (CATGGCACTGTGAC).
Protein change: p.His69fs; shifts the reading frame from histidine 69.
Molecular consequence: frameshift variant.
Genome position (GRCh38, 1-based): chrX:120,455,536-120,455,549, GTCACAGTGCCATG deleted on the plus strand (CATGGCACTGTGAC on the coding strand, the reverse complement: LAMP2 is on the minus strand); deleting any 14 consecutive bases within chrX:120,455,536-120,455,552 gives the same sequence; the c. name uses the placement nearest the transcript's 3' end. VCF-style (leftmost placement, unchanged base first): chrX-120455535-TGTCACAGTGCCATG-T. GRCh37 (hg19) VCF-style: chrX-119589390-TGTCACAGTGCCATG-T.
Other names: c.205_218delCATGGCACTGTGAC (NM_002294.2); c.205_218del, p.His69fs (NM_001122606.1, NM_013995.2); short protein forms H69fs.
Identifiers: ClinVar variation 659852 (VCV000659852.6), dbSNP rs1602540152, ClinGen allele CA915952475.